The following is an entry in ClinVar:

ClinVar aggregate classification (germline): Uncertain significance. Review status: criteria provided, multiple submitters, no conflicts (2 of 4 stars). 4 submissions from 4 submitters: Uncertain significance (4). Last evaluated 2024-10-08.

Conditions:
Renal tubular dysgenesis of genetic origin. Also called: PRIMITIVE RENAL TUBULE SYNDROME. Identifiers: Orphanet 97369, MedGen C5681536, MONDO:0009970, OMIM 267430.
Microvascular complications of diabetes, susceptibility to, 3. Identifiers: MedGen C2675470, MONDO:0012963, OMIM 612624.
Hemorrhage, intracerebral, susceptibility to (ICH). Also called: Stroke, hemorrhagic, susceptibility to. Identifiers: MedGen C3281105, MONDO:0100533, OMIM 614519.
Renal tubular dysgenesis. Also called: Renotubular dysgenesis. Identifiers: Orphanet 3033, MedGen C0266313, MONDO:0017609, HP:0008660.

Allele frequency attached by ClinVar (database versions not stated): gnomAD exomes 0.00014 and 0.00022; ESP Exome Variant Server 0.00015; ExAC 0.00023; TOPMed 0.00045; gnomAD 0.00048; 1000 Genomes Project 30x 0.00078; 1000 Genomes Project 0.00080.
gnomAD v4.1: 276 of 1,614,080 alleles (0.017%); highest among the groups gnomAD compares: African/African-American, 0.13%; 1 homozygote.

Submissions (4):

Labcorp Genetics (formerly Invitae), Labcorp
Classification: Uncertain significance. Last evaluated: 2024-10-08. Review status: criteria provided, single submitter. Criteria: Invitae Variant Classification Sherloc (09022015). Collection method: clinical testing. Allele origin: germline.
Comment: This sequence change replaces isoleucine, which is neutral and non-polar, with threonine, which is neutral and polar, at codon 420 of the ACE protein (p.Ile420Thr). This variant is present in population databases (rs144494842, gnomAD 0.1%). This variant has not been reported in the literature in individuals affected with ACE-related conditions. ClinVar contains an entry for this variant (Variation ID: 888831). Invitae Evidence Modeling of protein sequence and biophysical properties (such as structural, functional, and spatial information, amino acid conservation, physicochemical variation, residue mobility, and thermodynamic stability) indicates that this missense variant is not expected to disrupt ACE protein function with a negative predictive value of 80%. In summary, the available evidence is currently insufficient to determine the role of this variant in disease. Therefore, it has been classified as a Variant of Uncertain Significance.

Blueprint Genetics
Classification: Uncertain significance. Last evaluated: 2024-06-05. Review status: criteria provided, single submitter. Criteria: ACMG Guidelines, 2015. Collection method: clinical testing. Allele origin: germline.

Fulgent Genetics
Classification: Uncertain significance for Renal tubular dysgenesis of genetic origin; Microvascular complications of diabetes, susceptibility to, 3; Hemorrhage, intracerebral, susceptibility to. Last evaluated: 2024-03-22. Review status: criteria provided, single submitter. Criteria: ACMG Guidelines, 2015. Collection method: clinical testing. Allele origin: germline.

Illumina Laboratory Services, Illumina
Classification: Uncertain significance for Renal tubular dysgenesis of genetic origin. Last evaluated: 2018-01-13. Review status: criteria provided, single submitter. Criteria: ICSL Variant Classification Criteria 13 December 2019. Collection method: clinical testing. Allele origin: germline.

NM_000789.4(ACE):c.1259T>C (p.Ile420Thr)

Gene: ACE (angiotensin I converting enzyme; plus strand). Cytogenetic location: 17q23.3.
Variant type: single nucleotide variant.
Coding change: c.1259T>C on transcript NM_000789.4 (MANE Select); coding-DNA position 1259, T replaced by C.
Protein change: p.Ile420Thr; replaces isoleucine 420 with threonine.
Molecular consequence: missense variant.
Genome position (GRCh38, 1-based): chr17:63,482,606, T>C. VCF-style: chr17-63482606-T-C. GRCh37 (hg19) VCF-style: chr17-61559967-T-C.
Other names: short protein forms I420T.
Identifiers: ClinVar variation 888831 (VCV000888831.10), dbSNP rs144494842, ClinGen allele CA8699455.